The following is an entry in ClinVar:

ClinVar aggregate classification (germline): Uncertain significance (1 of 4 stars; one submission).

Submission:

GeneDx
Classification: Uncertain significance. Last evaluated: 2022-08-09. Review status: criteria provided, single submitter. Criteria: GeneDx Variant Classification Process June 2021. Collection method: clinical testing. Allele origin: germline. Affected: yes.
Comment: Not observed at significant frequency in large population cohorts (gnomAD); In silico analysis supports that this missense variant does not alter protein structure/function; Has not been previously published as pathogenic or benign to our knowledge

NM_003482.4(KMT2D):c.5380G>C (p.Val1794Leu)

Gene: KMT2D (lysine methyltransferase 2D; minus strand). Cytogenetic location: 12q13.12.
Variant type: single nucleotide variant.
Coding change: c.5380G>C on transcript NM_003482.4 (MANE Select); coding-DNA position 5380, G replaced by C.
Protein change: p.Val1794Leu; replaces valine 1794 with leucine.
Molecular consequence: missense variant.
Genome position (GRCh38, 1-based): chr12:49,043,722, C>G on the plus strand (G>C on the coding strand, the complement: KMT2D is on the minus strand). VCF-style: chr12-49043722-C-G. GRCh37 (hg19) VCF-style: chr12-49437505-C-G.
Other names: short protein forms V1794L.
Identifiers: ClinVar variation 2429577 (VCV002429577.1), dbSNP rs1191445721, ClinGen allele CA384633428.